The following is an entry in ClinVar:

ClinVar aggregate classification (germline): Uncertain significance (1 of 4 stars; one submission).

Submission:

Labcorp Genetics (formerly Invitae), Labcorp
Classification: Uncertain significance. Last evaluated: 2024-03-28. Review status: criteria provided, single submitter. Criteria: Invitae Variant Classification Sherloc (09022015). Collection method: clinical testing. Allele origin: germline.
Comment: This sequence change replaces aspartic acid, which is acidic and polar, with glutamic acid, which is acidic and polar, at codon 233 of the TRPV6 protein (p.Asp233Glu). This variant is not present in population databases (gnomAD no frequency). This variant has not been reported in the literature in individuals affected with TRPV6-related conditions. Experimental studies and prediction algorithms are not available or were not evaluated, and the functional significance of this variant is currently unknown. In summary, the available evidence is currently insufficient to determine the role of this variant in disease. Therefore, it has been classified as a Variant of Uncertain Significance.

NM_018646.6(TRPV6):c.699C>A (p.Asp233Glu)

Gene: TRPV6 (transient receptor potential cation channel subfamily V member 6; minus strand). Cytogenetic location: 7q34.
Variant type: single nucleotide variant.
Coding change: c.699C>A on transcript NM_018646.6 (MANE Select); coding-DNA position 699, C replaced by A.
Protein change: p.Asp233Glu; replaces aspartic acid 233 with glutamic acid.
Molecular consequence: missense variant.
Genome position (GRCh38, 1-based): chr7:142,876,746, G>T on the plus strand (C>A on the coding strand, the complement: TRPV6 is on the minus strand). VCF-style: chr7-142876746-G-T. GRCh37 (hg19) VCF-style: chr7-142574499-G-T.
Other names: short protein forms D233E.
Identifiers: ClinVar variation 3647943 (VCV003647943.2).